The following is an entry in ClinVar:

NM_000214.3(JAG1):c.1202C>T (p.Pro401Leu)

Gene: JAG1 (jagged canonical Notch ligand 1; minus strand). Cytogenetic location: 20p12.2.
Variant type: single nucleotide variant.
Coding change: c.1202C>T on transcript NM_000214.3 (MANE Select); coding-DNA position 1202, C replaced by T.
Protein change: p.Pro401Leu; replaces proline 401 with leucine.
Molecular consequence: missense variant.
Genome position (GRCh38, 1-based): chr20:10,650,279, G>A on the plus strand (C>T on the coding strand, the complement: JAG1 is on the minus strand). VCF-style: chr20-10650279-G-A. GRCh37 (hg19) VCF-style: chr20-10630927-G-A.
Other names: short protein forms P401L.
Identifiers: ClinVar variation 3022297 (VCV003022297.3), dbSNP rs2514519154, ClinGen allele CA408238430.

ClinVar aggregate classification (germline): Uncertain significance (1 of 4 stars; one submission).

Conditions:
Alagille syndrome due to a JAG1 point mutation. Also called: Alagille Syndrome 1; JAG1-Related Alagille Syndrome; HEPATIC DUCTULAR HYPOPLASIA, SYNDROMATIC. Identifiers: Orphanet 261619, Orphanet 52, MedGen C1956125, MONDO:0016862, OMIM 118450.

Submission:

Labcorp Genetics (formerly Invitae), Labcorp
Classification: Uncertain significance for Alagille syndrome due to a JAG1 point mutation. Last evaluated: 2023-12-10. Review status: criteria provided, single submitter. Criteria: Invitae Variant Classification Sherloc (09022015). Collection method: clinical testing. Allele origin: germline.
Comment: This sequence change replaces proline, which is neutral and non-polar, with leucine, which is neutral and non-polar, at codon 401 of the JAG1 protein (p.Pro401Leu). This variant is not present in population databases (gnomAD no frequency). This variant has not been reported in the literature in individuals affected with JAG1-related conditions. Advanced modeling of protein sequence and biophysical properties (such as structural, functional, and spatial information, amino acid conservation, physicochemical variation, residue mobility, and thermodynamic stability) performed at Invitae indicates that this missense variant is not expected to disrupt JAG1 protein function with a negative predictive value of 80%. In summary, the available evidence is currently insufficient to determine the role of this variant in disease. Therefore, it has been classified as a Variant of Uncertain Significance.